The following is an entry in ClinVar:

ClinVar aggregate classification (germline): Uncertain significance (1 of 4 stars; one submission).

Conditions:
Immunodeficiency 39 (IMD39). Identifiers: Orphanet 574918, MedGen C4225358, MONDO:0014597, OMIM 616345.

Allele frequency attached by ClinVar (database versions not stated): gnomAD exomes 0.00001; TOPMed 0.00006; gnomAD 0.00009 and 0.00011; 1000 Genomes Project 30x 0.00016; 1000 Genomes Project 0.00020.
gnomAD v4.1: 35 of 1,606,304 alleles (0.0022%); highest among the groups gnomAD compares: African/African-American, 0.024%; no homozygotes.

Submission:

Labcorp Genetics (formerly Invitae), Labcorp
Classification: Uncertain significance for Immunodeficiency 39. Last evaluated: 2025-05-30. Review status: criteria provided, single submitter. Criteria: Invitae Variant Classification Sherloc (09022015). Collection method: clinical testing. Allele origin: germline.
Comment: This sequence change replaces alanine, which is neutral and non-polar, with threonine, which is neutral and polar, at codon 400 of the IRF7 protein (p.Ala400Thr). The frequency data for this variant in the population databases is considered unreliable, as metrics indicate poor data quality at this position in the gnomAD database. This variant has not been reported in the literature in individuals affected with IRF7-related conditions. ClinVar contains an entry for this variant (Variation ID: 1418566). Invitae Evidence Modeling of protein sequence and biophysical properties (such as structural, functional, and spatial information, amino acid conservation, physicochemical variation, residue mobility, and thermodynamic stability) indicates that this missense variant is not expected to disrupt IRF7 protein function with a negative predictive value of 80%. In summary, the available evidence is currently insufficient to determine the role of this variant in disease. Therefore, it has been classified as a Variant of Uncertain Significance.

NM_001572.5(IRF7):c.1159G>A (p.Ala387Thr)

Gene: IRF7 (interferon regulatory factor 7; minus strand). Cytogenetic location: 11p15.5.
Variant type: single nucleotide variant.
Coding change: c.1159G>A on transcript NM_001572.5 (MANE Select); coding-DNA position 1159, G replaced by A.
Protein change: p.Ala387Thr; replaces alanine 387 with threonine.
Molecular consequence: missense variant.
Genome position (GRCh38, 1-based): chr11:613,284, C>T on the plus strand (G>A on the coding strand, the complement: IRF7 is on the minus strand). VCF-style: chr11-613284-C-T. GRCh37 (hg19) VCF-style: chr11-613284-C-T.
Other names: c.1072G>A, p.Ala358Thr (NM_004029.4); c.1198G>A, p.Ala400Thr (NM_004031.4); short protein forms A400T, A358T, A387T.
Identifiers: ClinVar variation 1418566 (VCV001418566.8), dbSNP rs572572807, ClinGen allele CA5783563.